The following is an entry in ClinVar:

NM_138694.4(PKHD1):c.2280-1G>A

Gene: PKHD1 (PKHD1 ciliary IPT domain containing fibrocystin/polyductin; minus strand). Cytogenetic location: 6p12.2.
Variant type: single nucleotide variant.
Coding change: c.2280-1G>A on transcript NM_138694.4 (MANE Select); the canonical splice acceptor site of the intron before coding-DNA position 2280, G replaced by A.
Molecular consequence: splice acceptor variant.
Genome position (GRCh38, 1-based): chr6:52,048,620, C>T on the plus strand (G>A on the coding strand, the complement: PKHD1 is on the minus strand). VCF-style: chr6-52048620-C-T. GRCh37 (hg19) VCF-style: chr6-51913418-C-T.
Other names: c.2280-1G>A (NM_170724.3).
Identifiers: ClinVar variation 2734905 (VCV002734905.4), dbSNP rs1010327160, ClinGen allele CA138966531.
Genomic context (GRCh38, chr6:52,048,620, plus strand): 5'-CTCTGTGTCGTCACCAGGACCAGTCCAGATCCCTCTTCTGTTCCTTCAGTGGGCACAGAG[C>T]TGTGGCACGTCAGAAACAAAGTATTAACGTCTGGGTTGGGGTGTGCACCTAGGAGGACCT-3'

ClinVar aggregate classification (germline): Pathogenic. Review status: criteria provided, multiple submitters, no conflicts (2 of 4 stars). 2 submissions from 2 submitters: Pathogenic (2). Last evaluated 2026-04-09.

Conditions:
Autosomal recessive polycystic kidney disease (ARPKD). Also called: AR polycystic kidney disease. Identifiers: Orphanet 731, Orphanet 8378, MedGen C0085548, MeSH D017044, MONDO:0009889.

Allele frequency attached by ClinVar (database versions not stated): gnomAD 0.00001; TOPMed 0.00001.

Submissions (2):

Dasa
Classification: Pathogenic. Last evaluated: 2026-04-09. Review status: criteria provided, single submitter. Criteria: DASA Assertion Criteria. Collection method: clinical testing. Allele origin: germline.
Comment: NM_138694.4(PKHD1):c.2280-1G>A introduces a premature termination codon predicted to result in loss of normal protein function. Loss-of-function is an established mechanism of disease for this gene. This variant has been observed in affected individuals with related phenotype in a genotype context consistent with recessive disease (PMID: 24162162). This variant has been reported in individuals with related phenotype (PMID: 24162162). The variant is present at low frequency in population datasets. Based on the available data, this variant is classified as pathogenic.

Labcorp Genetics (formerly Invitae), Labcorp
Classification: Pathogenic for Autosomal recessive polycystic kidney disease. Last evaluated: 2023-05-22. Review status: criteria provided, single submitter. Criteria: Invitae Variant Classification Sherloc (09022015). Collection method: clinical testing. Allele origin: germline.
Comment: This variant is also known as IVS22-1G>A. For these reasons, this variant has been classified as Pathogenic. Algorithms developed to predict the effect of sequence changes on RNA splicing suggest that this variant may disrupt the consensus splice site. Disruption of this splice site has been observed in individual(s) with polycystic kidney disease (PMID: 24162162). In at least one individual the data is consistent with being in trans (on the opposite chromosome) from a pathogenic variant. This variant is present in population databases (no rsID available, gnomAD 0.0009%). This sequence change affects an acceptor splice site in intron 22 of the PKHD1 gene. It is expected to disrupt RNA splicing. Variants that disrupt the donor or acceptor splice site typically lead to a loss of protein function (PMID: 16199547), and loss-of-function variants in PKHD1 are known to be pathogenic (PMID: 19940839).

Literature cited by the submitters: PubMed 24162162 (cited by Dasa and Labcorp Genetics (formerly Invitae), Labcorp); PubMed 16199547 (cited by Labcorp Genetics (formerly Invitae), Labcorp); PubMed 19940839 (cited by Labcorp Genetics (formerly Invitae), Labcorp).